The following is an entry in ClinVar:

NM_001082538.3(TCTN1):c.1332-35G>C

Gene: TCTN1 (tectonic family member 1; plus strand). Cytogenetic location: 12q24.11.
Variant type: single nucleotide variant.
Coding change: c.1332-35G>C on transcript NM_001082538.3 (MANE Select); 35 bases into the intron before coding-DNA position 1332, G replaced by C.
Molecular consequence: intron variant.
Genome position (GRCh38, 1-based): chr12:110,644,932, G>C. VCF-style: chr12-110644932-G-C. GRCh37 (hg19) VCF-style: chr12-111082737-G-C.
Other names: c.1164-35G>C (NM_001173975.3); c.1011-41G>C (NM_001173976.2); c.798-35G>C (NM_001319681.2); c.1290-35G>C (NM_024549.6); c.1332-35G>C (NM_001082537.3); c.1191-41G>C (NM_001319680.2).
Identifiers: ClinVar variation 160094 (VCV000160094.9), dbSNP rs73419336, ClinGen allele CA173653.

ClinVar aggregate classification (germline): Likely benign. Review status: criteria provided, single submitter (1 of 4 stars). 2 submissions from 2 submitters: Likely benign (1). 1 of the submissions does not count toward it. Last evaluated 2020-06-29.

Allele frequency attached by ClinVar (database versions not stated): ExAC 0.00099; gnomAD 0.00262 and 0.00268; TOPMed 0.00264; ESP Exome Variant Server 0.00316; 1000 Genomes Project 0.00459; 1000 Genomes Project 30x 0.00625.
gnomAD v4.1: 789 of 1,613,808 alleles (0.049%); highest among the groups gnomAD compares: African/African-American, 0.9%; 4 homozygotes.

Submissions (2):

GeneDx
Classification: Likely benign. Last evaluated: 2020-06-29. Review status: criteria provided, single submitter. Criteria: GeneDx Variant Classification Process June 2021. Collection method: clinical testing. Allele origin: germline. Affected: yes.

Genetic Services Laboratory, University of Chicago
Classification: Likely benign. Review status: no assertion criteria provided. Collection method: clinical testing. Allele origin: germline. Inheritance: Autosomal recessive inheritance. Not counted in ClinVar's aggregate classification.
Comment: Likely benign based on allele frequency in 1000 Genomes Project or ESP global frequency and its presence in a patient with a rare or unrelated disease phenotype. NOT Sanger confirmed